The following is an entry in ClinVar:

NM_020754.4(ARHGAP31):c.2520C>G (p.Thr840=)

Gene: ARHGAP31 (Rho GTPase activating protein 31; plus strand). Cytogenetic location: 3q13.33.
Variant type: single nucleotide variant.
Coding change: c.2520C>G on transcript NM_020754.4 (MANE Select); coding-DNA position 2520, C replaced by G.
Protein change: p.Thr840=; no amino-acid change (threonine 840 retained).
Molecular consequence: synonymous variant.
Genome position (GRCh38, 1-based): chr3:119,414,449, C>G. VCF-style: chr3-119414449-C-G. GRCh37 (hg19) VCF-style: chr3-119133296-C-G.
Identifiers: ClinVar variation 741512 (VCV000741512.13), dbSNP rs61743043, ClinGen allele CA2554057.

ClinVar aggregate classification (germline): Benign/Likely benign. Review status: criteria provided, multiple submitters, no conflicts (2 of 4 stars). 3 submissions from 3 submitters: Benign (1); Likely benign (1). 1 of the submissions does not count toward it. Last evaluated 2025-10-27.

Conditions:
ARHGAP31-related disorder. Also called: ARHGAP31-related condition.

Allele frequency attached by ClinVar (database versions not stated): gnomAD exomes 0.00010 and 0.00024; ExAC 0.00029; ESP Exome Variant Server 0.00074; 1000 Genomes Project 0.00080; gnomAD 0.00101 and 0.00108; 1000 Genomes Project 30x 0.00109; TOPMed 0.00120.
gnomAD v4.1: 304 of 1,614,188 alleles (0.019%); highest among the groups gnomAD compares: African/African-American, 0.36%; no homozygotes.

Submissions (3):

Labcorp Genetics (formerly Invitae), Labcorp
Classification: Benign. Last evaluated: 2025-10-27. Review status: criteria provided, single submitter. Criteria: Invitae Variant Classification Sherloc (09022015). Collection method: clinical testing. Allele origin: germline.

Blueprint Genetics
Classification: Likely benign. Last evaluated: 2024-11-14. Review status: criteria provided, single submitter. Criteria: ACMG Guidelines, 2015. Collection method: clinical testing. Allele origin: germline.

PreventionGenetics, part of Exact Sciences
Classification: Likely benign for ARHGAP31-related condition. Last evaluated: 2019-07-10. Review status: no assertion criteria provided. Collection method: clinical testing. Allele origin: germline. Not counted in ClinVar's aggregate classification.
Comment: This variant is classified as likely benign based on ACMG/AMP sequence variant interpretation guidelines (Richards et al. 2015 PMID: 25741868, with internal and published modifications).